The following is an entry in ClinVar:

NM_000044.6(AR):c.2716A>G (p.Lys906Glu)

Gene: AR (androgen receptor; plus strand). Cytogenetic location: Xq12.
Variant type: single nucleotide variant.
Coding change: c.2716A>G on transcript NM_000044.6 (MANE Select); coding-DNA position 2716, A replaced by G.
Protein change: p.Lys906Glu; replaces lysine 906 with glutamic acid.
Molecular consequence: missense variant.
Genome position (GRCh38, 1-based): chrX:67,723,794, A>G. VCF-style: chrX-67723794-A-G. GRCh37 (hg19) VCF-style: chrX-66943636-A-G.
Other names: c.1120A>G, p.Lys374Glu (NM_001011645.3); short protein forms K374E, K906E.
Identifiers: ClinVar variation 3759650 (VCV003759650.2).

ClinVar aggregate classification (germline): Uncertain significance (1 of 4 stars; one submission).

Conditions:
Kennedy disease (SMAX1). Also called: SPINAL AND BULBAR MUSCULAR ATROPHY, X-LINKED 1; KENNEDY SPINAL AND BULBAR MUSCULAR ATROPHY; Spinal and Bulbar Muscular Atrophy. Identifiers: Orphanet 481, MedGen C1839259, MONDO:0010735, OMIM 313200.
Androgen resistance syndrome (AIS). Also called: ANDROGEN RECEPTOR DEFICIENCY; DIHYDROTESTOSTERONE RECEPTOR DEFICIENCY; TESTICULAR FEMINIZATION SYNDROME; Androgen insensitivity syndrome; Androgen insensitivity; DHTR DEFICIENCY. Identifiers: Orphanet 754, Orphanet 99429, MedGen C0039585, MONDO:0019154, OMIM 300068. Disease mechanism: loss of function.

Submission:

Labcorp Genetics (formerly Invitae), Labcorp
Classification: Uncertain significance for Kennedy disease; Androgen resistance syndrome. Last evaluated: 2024-05-15. Review status: criteria provided, single submitter. Criteria: Invitae Variant Classification Sherloc (09022015). Collection method: clinical testing. Allele origin: germline.
Comment: This sequence change replaces lysine, which is basic and polar, with glutamic acid, which is acidic and polar, at codon 906 of the AR protein (p.Lys906Glu). This variant is not present in population databases (gnomAD no frequency). This missense change has been observed in individual(s) with partial androgen insensitivity syndrome (PMID: 29051026). Advanced modeling of protein sequence and biophysical properties (such as structural, functional, and spatial information, amino acid conservation, physicochemical variation, residue mobility, and thermodynamic stability) has been performed at Invitae for this missense variant, however the output from this modeling did not meet the statistical confidence thresholds required to predict the impact of this variant on AR protein function. Experimental studies have shown that this missense change affects AR function (PMID: 29051026). In summary, the available evidence is currently insufficient to determine the role of this variant in disease. Therefore, it has been classified as a Variant of Uncertain Significance.

Literature cited by the submitters: PubMed 29051026.